The following is an entry in ClinVar:

NM_201384.3(PLEC):c.8040C>T (p.Asp2680=)

Gene: PLEC (plectin; minus strand). Cytogenetic location: 8q24.3.
Variant type: single nucleotide variant.
Coding change: c.8040C>T on transcript NM_201384.3 (MANE Select); coding-DNA position 8040, C replaced by T.
Protein change: p.Asp2680=; no amino-acid change (aspartic acid 2680 retained).
Molecular consequence: synonymous variant.
Genome position (GRCh38, 1-based): chr8:143,921,781, G>A on the plus strand (C>T on the coding strand, the complement: PLEC is on the minus strand). VCF-style: chr8-143921781-G-A. GRCh37 (hg19) VCF-style: chr8-144995949-G-A.
Other names: c.8121C>T, p.Asp2707= (NM_000445.5); c.7998C>T, p.Asp2666= (NM_201378.4); c.7974C>T, p.Asp2658= (NM_201379.3); c.8451C>T, p.Asp2817= (NM_201380.4); c.7944C>T, p.Asp2648= (NM_201381.3); c.8040C>T, p.Asp2680= (NM_201382.4); c.8052C>T, p.Asp2684= (NM_201383.3).
Identifiers: ClinVar variation 281282 (VCV000281282.45), dbSNP rs373341589, ClinGen allele CA4925443.

ClinVar aggregate classification (germline): Benign/Likely benign. Review status: criteria provided, multiple submitters, no conflicts (2 of 4 stars). 10 submissions from 10 submitters: Benign (1); Likely benign (6). 3 of the submissions do not count toward it. Last evaluated 2026-05-04.

Conditions:
Epidermolysis bullosa simplex, Ogna type (EBS5A). Also called: Pidermolysis bullosa simplex 5A, Ogna type; EPIDERMOLYSIS BULLOSA SIMPLEX 5A, OGNA TYPE. Identifiers: Orphanet 79401, MedGen C0432317, MONDO:0007555, OMIM 131950.
Epidermolysis bullosa simplex with nail dystrophy (EBS5D). Identifiers: MedGen C4225309, MONDO:0014661, OMIM 616487.
Autosomal recessive limb-girdle muscular dystrophy type 2Q (LGMDR17). Also called: MUSCULAR DYSTROPHY, LIMB-GIRDLE, AUTOSOMAL RECESSIVE 17. Identifiers: Orphanet 254361, MedGen C3150989, MONDO:0013390, OMIM 613723.
Epidermolysis bullosa simplex 5C, with pyloric atresia (EBS5C). Also called: Epidermolysis bullosa simplex with pyloric atresia; PLEC1-Related Epidermolysis Bullosa with Pyloric Atresia; PLEC-Related Epidermolysis Bullosa with Pyloric Atresia. Identifiers: Orphanet 158684, MedGen C2677349, MONDO:0012807, OMIM 612138.
Epidermolysis bullosa simplex 5B, with muscular dystrophy (EBS5B). Also called: Epidermolysis bullosa simplex with muscular dystrophy; EPIDERMOLYSIS BULLOSA SIMPLEX AND LIMB-GIRDLE MUSCULAR DYSTROPHY. Identifiers: Orphanet 257, MedGen C2931072, MONDO:0009181, OMIM 226670.
PLEC-related disorder. Also called: PLEC-related disorders; PLEC-related condition.

Allele frequency attached by ClinVar (database versions not stated): 1000 Genomes Project 0.00020; 1000 Genomes Project 30x 0.00031; gnomAD 0.00052 and 0.00053; TOPMed 0.00052; ESP Exome Variant Server 0.00055; gnomAD exomes 0.00072 and 0.00091; ExAC 0.00089.

Submissions (10):

Women's Health and Genetics/Laboratory Corporation of America, LabCorp
Classification: Likely benign. Last evaluated: 2026-05-04. Review status: criteria provided, single submitter. Criteria: LabCorp Variant Classification Summary - May 2015. Collection method: clinical testing. Allele origin: germline.

Labcorp Genetics (formerly Invitae), Labcorp
Classification: Likely benign for Autosomal recessive limb-girdle muscular dystrophy type 2Q; Epidermolysis bullosa simplex, Ogna type; Epidermolysis bullosa simplex with nail dystrophy; Epidermolysis bullosa simplex 5C, with pyloric atresia; Epidermolysis bullosa simplex 5B, with muscular dystrophy. Last evaluated: 2026-01-19. Review status: criteria provided, single submitter. Criteria: Invitae Variant Classification Sherloc (09022015). Collection method: clinical testing. Allele origin: germline.

CeGaT Center for Human Genetics Tuebingen
Classification: Likely benign. Last evaluated: 2025-06-01. Review status: criteria provided, single submitter. Criteria: CeGaT Center For Human Genetics Tuebingen Variant Classification Criteria Version 2. Collection method: clinical testing. Allele origin: germline. Affected: yes. Observed: 5 variant alleles.
Comment: PLEC: BP4, BP7

Blueprint Genetics
Classification: Likely benign. Last evaluated: 2024-11-22. Review status: criteria provided, single submitter. Criteria: ACMG Guidelines, 2015. Collection method: clinical testing. Allele origin: germline.

GeneDx
Classification: Likely benign. Last evaluated: 2018-07-13. Review status: criteria provided, single submitter. Criteria: GeneDx Variant Classification Process June 2021. Collection method: clinical testing. Allele origin: germline. Affected: yes.

Athena Diagnostics
Classification: Benign. Last evaluated: 2017-05-15. Review status: criteria provided, single submitter. Criteria: Athena Diagnostics Criteria. Collection method: clinical testing. Allele origin: germline.

Eurofins Ntd Llc (ga)
Classification: Likely benign. Last evaluated: 2015-06-29. Review status: criteria provided, single submitter. Criteria: EGL Classification Definitions 2015. Collection method: clinical testing. Allele origin: germline. Observed: 1 variant allele, 1 heterozygote.

PreventionGenetics, part of Exact Sciences
Classification: Likely benign for PLEC-related condition. Last evaluated: 2024-08-23. Review status: no assertion criteria provided. Collection method: clinical testing. Allele origin: germline. Not counted in ClinVar's aggregate classification.
Comment: This variant is classified as likely benign based on ACMG/AMP sequence variant interpretation guidelines (Richards et al. 2015 PMID: 25741868, with internal and published modifications).

Clinical Genetics DNA and cytogenetics Diagnostics Lab, Erasmus MC, Erasmus Medical Center
Classification: Likely benign. Review status: no assertion criteria provided. Collection method: clinical testing. Allele origin: germline. Affected: yes. Study: VKGL Data-share Consensus. Not counted in ClinVar's aggregate classification.

Genome Diagnostics Laboratory, University Medical Center Utrecht
Classification: Likely benign. Review status: no assertion criteria provided. Collection method: clinical testing. Allele origin: germline. Affected: yes. Study: VKGL Data-share Consensus. Not counted in ClinVar's aggregate classification.